The following is an entry in ClinVar:

NM_019066.5(MAGEL2):c.2629G>A (p.Glu877Lys)

Gene: MAGEL2 (MAGE family member L2; minus strand). Cytogenetic location: 15q11.2.
Variant type: single nucleotide variant.
Coding change: c.2629G>A on transcript NM_019066.5 (MANE Select); coding-DNA position 2629, G replaced by A.
Protein change: p.Glu877Lys; replaces glutamic acid 877 with lysine.
Molecular consequence: missense variant.
Genome position (GRCh38, 1-based): chr15:23,645,114, C>T on the plus strand (G>A on the coding strand, the complement: MAGEL2 is on the minus strand). VCF-style: chr15-23645114-C-T. GRCh37 (hg19) VCF-style: chr15-23890261-C-T.
Other names: c.2629G>A (NM_019066.4); short protein forms E877K.
Identifiers: ClinVar variation 3695317 (VCV003695317.3).
Genomic context (GRCh38, chr15:23,645,114, plus strand): 5'-CCTCTTGGGCTTCCAGATGCTTCTTCTTCCGGGTGGCCTTGCCGGAGCGGCGTGGCGGCT[C>T]GACGGAGGTCTTGGAGGCCTCTTGAGTGGTGGCAGTTGCCTGGGGGGCAGCTGCTGTAGC-3'
Protein context (NP_061939.3, residues 867-887): TTQEASKTSV[Glu877Lys]PPRRSGKATR

ClinVar aggregate classification (germline): Uncertain significance. Review status: criteria provided, multiple submitters, no conflicts (2 of 4 stars). 2 submissions from 2 submitters: Uncertain significance (2). Last evaluated 2025-11-12.

Conditions:
Inborn genetic diseases. Identifiers: MedGen C0950123, MeSH D030342.

gnomAD v4.1: 18 of 1,613,640 alleles (0.0011%); highest among the groups gnomAD compares: South Asian, 0.0044%; no homozygotes.

Submissions (2):

Ambry Genetics
Classification: Uncertain significance for Inborn genetic diseases. Last evaluated: 2025-11-12. Review status: criteria provided, single submitter. Criteria: Ambry Variant Classification Scheme 2023. Collection method: clinical testing. Allele origin: germline.

Labcorp Genetics (formerly Invitae), Labcorp
Classification: Uncertain significance. Last evaluated: 2025-07-06. Review status: criteria provided, single submitter. Criteria: Invitae Variant Classification Sherloc (09022015). Collection method: clinical testing. Allele origin: germline.
Comment: This sequence change replaces glutamic acid, which is acidic and polar, with lysine, which is basic and polar, at codon 877 of the MAGEL2 protein (p.Glu877Lys). This variant is present in population databases (rs755998685, gnomAD 0.003%). This variant has not been reported in the literature in individuals affected with MAGEL2-related conditions. ClinVar contains an entry for this variant (Variation ID: 3695317). Invitae Evidence Modeling of protein sequence and biophysical properties (such as structural, functional, and spatial information, amino acid conservation, physicochemical variation, residue mobility, and thermodynamic stability) indicates that this missense variant is not expected to disrupt MAGEL2 protein function with a negative predictive value of 80%. In summary, the available evidence is currently insufficient to determine the role of this variant in disease. Therefore, it has been classified as a Variant of Uncertain Significance.